The following is an entry in ClinVar:

NM_001080517.3(SETD5):c.3196-8C>T

Gene: SETD5 (SET domain containing 5; plus strand). Cytogenetic location: 3p25.3.
Variant type: single nucleotide variant.
Coding change: c.3196-8C>T on transcript NM_001080517.3 (MANE Select); 8 bases into the intron before coding-DNA position 3196, C replaced by T.
Molecular consequence: intron variant.
Genome position (GRCh38, 1-based): chr3:9,473,228, C>T. VCF-style: chr3-9473228-C-T. GRCh37 (hg19) VCF-style: chr3-9514912-C-T.
Other names: c.2902-8C>T (NM_001349451.2, NM_001292043.2).
Identifiers: ClinVar variation 728110 (VCV000728110.14), dbSNP rs373633825, ClinGen allele CA2239639.

ClinVar aggregate classification (germline): Benign/Likely benign. Review status: criteria provided, multiple submitters, no conflicts (2 of 4 stars). 4 submissions from 4 submitters: Benign (2); Likely benign (1). 1 of the submissions does not count toward it. Last evaluated 2026-01-28.

Conditions:
SETD5-related disorder. Also called: SETD5-related disorders; SETD5-related condition.
Intellectual disability-facial dysmorphism syndrome due to SETD5 haploinsufficiency (MRD23). Also called: Intellectual developmental disorder, autosomal dominant 23. Identifiers: Orphanet 404440, MedGen C3810406, MONDO:0014336, OMIM 615761.

Allele frequency attached by ClinVar (database versions not stated): gnomAD exomes 0.00010 and 0.00030; ExAC 0.00037; 1000 Genomes Project 0.00080; 1000 Genomes Project 30x 0.00094; ESP Exome Variant Server 0.00108; gnomAD 0.00114 and 0.00126; TOPMed 0.00126.
gnomAD v4.1: 323 of 1,604,530 alleles (0.02%); highest among the groups gnomAD compares: African/African-American, 0.4%; 1 homozygote.

Submissions (4):

Labcorp Genetics (formerly Invitae), Labcorp
Classification: Benign. Last evaluated: 2026-01-28. Review status: criteria provided, single submitter. Criteria: Invitae Variant Classification Sherloc (09022015). Collection method: clinical testing. Allele origin: germline.

Fulgent Genetics
Classification: Likely benign for Intellectual disability-facial dysmorphism syndrome due to SETD5 haploinsufficiency. Last evaluated: 2021-08-06. Review status: criteria provided, single submitter. Criteria: ACMG Guidelines, 2015. Collection method: clinical testing. Allele origin: unknown.

GeneDx
Classification: Benign. Last evaluated: 2020-03-23. Review status: criteria provided, single submitter. Criteria: GeneDx Variant Classification Process June 2021. Collection method: clinical testing. Allele origin: germline. Affected: yes.

PreventionGenetics, part of Exact Sciences
Classification: Benign for SETD5-related condition. Last evaluated: 2019-07-09. Review status: no assertion criteria provided. Collection method: clinical testing. Allele origin: germline. Not counted in ClinVar's aggregate classification.
Comment: This variant is classified as benign based on ACMG/AMP sequence variant interpretation guidelines (Richards et al. 2015 PMID: 25741868, with internal and published modifications).